The following is an entry in ClinVar:

NM_031935.3(HMCN1):c.1865C>T (p.Ser622Phe)

Gene: HMCN1 (hemicentin 1; plus strand). Cytogenetic location: 1q31.1.
Variant type: single nucleotide variant.
Coding change: c.1865C>T on transcript NM_031935.3 (MANE Select); coding-DNA position 1865, C replaced by T.
Protein change: p.Ser622Phe; replaces serine 622 with phenylalanine.
Molecular consequence: missense variant.
Genome position (GRCh38, 1-based): chr1:185,962,554, C>T. VCF-style: chr1-185962554-C-T. GRCh37 (hg19) VCF-style: chr1-185931686-C-T.
Other names: short protein forms S622F.
Identifiers: ClinVar variation 2478780 (VCV002478780.5), dbSNP rs1363687582, ClinGen allele CA343874219.

ClinVar aggregate classification (germline): Uncertain significance. Review status: criteria provided, multiple submitters, no conflicts (2 of 4 stars). 2 submissions from 2 submitters: Uncertain significance (2). Last evaluated 2025-12-09.

Allele frequency attached by ClinVar (database versions not stated): gnomAD exomes below 0.00001.
gnomAD v4.1: 3 of 1,612,832 alleles (0.00019%); highest among the groups gnomAD compares: Admixed American, 0.005%; no homozygotes.

Submissions (2):

Ambry Genetics
Classification: Uncertain significance. Last evaluated: 2025-12-09. Review status: criteria provided, single submitter. Criteria: Ambry Variant Classification Scheme 2023. Collection method: clinical testing. Allele origin: germline.

Labcorp Genetics (formerly Invitae), Labcorp
Classification: Uncertain significance. Last evaluated: 2024-02-08. Review status: criteria provided, single submitter. Criteria: Invitae Variant Classification Sherloc (09022015). Collection method: clinical testing. Allele origin: germline.
Comment: This sequence change replaces serine, which is neutral and polar, with phenylalanine, which is neutral and non-polar, at codon 622 of the HMCN1 protein (p.Ser622Phe). This variant is present in population databases (no rsID available, gnomAD 0.003%). This variant has not been reported in the literature in individuals affected with HMCN1-related conditions. ClinVar contains an entry for this variant (Variation ID: 2478780). An algorithm developed to predict the effect of missense changes on protein structure and function (PolyPhen-2) suggests that this variant is likely to be disruptive. In summary, the available evidence is currently insufficient to determine the role of this variant in disease. Therefore, it has been classified as a Variant of Uncertain Significance.